The following is an entry in ClinVar:

NM_001077418.3(TMEM231):c.140-10T>C

Genes: TMEM231 (transmembrane protein 231; minus strand), LOC130059440 (ATAC-STARR-seq lymphoblastoid silent region 7724; plus strand). Cytogenetic location: 16q23.1.
Variant type: single nucleotide variant.
Coding change: c.140-10T>C on transcript NM_001077418.3 (MANE Select); 10 bases into the intron before coding-DNA position 140, T replaced by C.
Molecular consequence: intron variant. On other transcripts: missense variant (1).
Genome position (GRCh38, 1-based): chr16:75,555,983, A>G on the plus strand (T>C on the coding strand, the complement: TMEM231 is on the minus strand). VCF-style: chr16-75555983-A-G. GRCh37 (hg19) VCF-style: chr16-75589881-A-G.
Other names: c.289T>C, p.Phe97Leu (NM_001077416.2); short protein forms F97L.
Identifiers: ClinVar variation 1485134 (VCV001485134.6), dbSNP rs2151710900, ClinGen allele CA396809615.

ClinVar aggregate classification (germline): Uncertain significance (1 of 4 stars; one submission).

Conditions:
Joubert syndrome 20 (JBTS20). Identifiers: Orphanet 475, MedGen C3554235, MONDO:0013994, OMIM 614970.
Meckel syndrome, type 11 (MKS11). Identifiers: Orphanet 564, MedGen C3809352, MONDO:0014164, OMIM 615397.

Submission:

Labcorp Genetics (formerly Invitae), Labcorp
Classification: Uncertain significance for Joubert syndrome 20; Meckel syndrome, type 11. Last evaluated: 2021-10-28. Review status: criteria provided, single submitter. Criteria: Invitae Variant Classification Sherloc (09022015). Collection method: clinical testing. Allele origin: germline.
Comment: This sequence change replaces phenylalanine, which is neutral and non-polar, with leucine, which is neutral and non-polar, at codon 97 of the TMEM231 protein (p.Phe97Leu). This variant is not present in population databases (gnomAD no frequency). This variant has not been reported in the literature in individuals affected with TMEM231-related conditions. Algorithms developed to predict the effect of missense changes on protein structure and function output the following: SIFT: "Tolerated"; PolyPhen-2: "Not Available"; Align-GVGD: "Class C0". The leucine amino acid residue is found in multiple mammalian species, which suggests that this missense change does not adversely affect protein function. In summary, the available evidence is currently insufficient to determine the role of this variant in disease. Therefore, it has been classified as a Variant of Uncertain Significance.